The following is an entry in ClinVar:

NM_001348768.2(HECW2):c.2467A>G (p.Ile823Val)

Gene: HECW2 (HECT, C2 and WW domain containing E3 ubiquitin protein ligase 2; minus strand). Cytogenetic location: 2q32.3.
Variant type: single nucleotide variant.
Coding change: c.2467A>G on transcript NM_001348768.2 (MANE Select); coding-DNA position 2467, A replaced by G.
Protein change: p.Ile823Val; replaces isoleucine 823 with valine.
Molecular consequence: missense variant.
Genome position (GRCh38, 1-based): chr2:196,308,053, T>C on the plus strand (A>G on the coding strand, the complement: HECW2 is on the minus strand). VCF-style: chr2-196308053-T-C. GRCh37 (hg19) VCF-style: chr2-197172777-T-C.
Other names: c.1399A>G, p.Ile467Val (NM_001304840.3); c.2467A>G, p.Ile823Val (NM_020760.4); short protein forms I467V, I823V.
Identifiers: ClinVar variation 4881982 (VCV004881982.2).

ClinVar aggregate classification (germline): Uncertain significance (1 of 4 stars; one submission).

gnomAD v4.1: 1 of 1,594,346 alleles (0.000063%); highest among the groups gnomAD compares: Admixed American, 0.0017%; no homozygotes.

Submission:

Dasa
Classification: Uncertain significance. Last evaluated: 2025-01-28. Review status: criteria provided, single submitter. Criteria: DASA Assertion Criteria. Collection method: clinical testing. Allele origin: germline.
Comment: NM_001348768.2(HECW2):c.2467A>G (p.Ile823Val) is a missense variant that results in the substitution of isoleucine with valine. This variant is absent from population databases. Computational prediction algorithms are consistent with a benign effect. The currently available literature and clinical evidence are not sufficient to establish a definitive association between this variant and the reported condition. Therefore, this variant is classified as a variant of uncertain significance.